The following is an entry in ClinVar:

NM_198253.3(TERT):c.1692G>A (p.Thr564=)

Gene: TERT (telomerase reverse transcriptase; minus strand). Cytogenetic location: 5p15.33.
Variant type: single nucleotide variant.
Coding change: c.1692G>A on transcript NM_198253.3 (MANE Select); coding-DNA position 1692, G replaced by A.
Protein change: p.Thr564=; no amino-acid change (threonine 564 retained).
Molecular consequence: synonymous variant. On other transcripts: non-coding transcript variant (2).
Genome position (GRCh38, 1-based): chr5:1,282,506, C>T on the plus strand (G>A on the coding strand, the complement: TERT is on the minus strand). VCF-style: chr5-1282506-C-T. GRCh37 (hg19) VCF-style: chr5-1282621-C-T.
Other names: c.1692G>A, p.Thr564= (NM_001193376.3).
Identifiers: ClinVar variation 653400 (VCV000653400.35), dbSNP rs377217777, ClinGen allele CA112951893.

ClinVar aggregate classification (germline): Conflicting classifications of pathogenicity. Review status: criteria provided, conflicting classifications (1 of 4 stars). 6 submissions from 6 submitters: Uncertain significance (3); Likely benign (3). Last evaluated 2026-03-06.

Conditions:
Idiopathic Pulmonary Fibrosis. Also called: Idiopathic fibrosing alveolitis, chronic form; idiopathic fibrosing alveolitis. Identifiers: Orphanet 2032, MedGen C1800706, MeSH D054990, MONDO:0800504.
Dyskeratosis congenita, autosomal dominant 2. Identifiers: MedGen C3151443, MONDO:0013521, OMIM 613989.
TERT-related disorder. Also called: TERT-related condition; TERT-related disorders.
Dyskeratosis congenita. Identifiers: Orphanet 1775, MedGen C0265965, MONDO:0015780.

Allele frequency attached by ClinVar (database versions not stated): gnomAD 0.00001; gnomAD exomes 0.00001; TOPMed 0.00003; ESP Exome Variant Server 0.00008.
gnomAD v4.1: 13 of 1,614,024 alleles (0.00081%); highest among the groups gnomAD compares: African/African-American, 0.0093%; no homozygotes.

Submissions (6):

Women's Health and Genetics/Laboratory Corporation of America, LabCorp
Classification: Uncertain significance. Last evaluated: 2026-03-06. Review status: criteria provided, single submitter. Criteria: LabCorp Variant Classification Summary - May 2015. Collection method: clinical testing. Allele origin: germline.
Comment: Variant summary: TERT c.1692G>A alters a conserved nucleotide resulting in a synonymous change. Several computational tools predict a significant impact on normal splicing: Five predict the variant creates a cryptic 3' acceptor site. However, these predictions have yet to be confirmed by functional studies. The variant allele was found at a frequency of 8e-06 in 251420 control chromosomes. The available data on variant occurrences in the general population are insufficient to allow any conclusion about variant significance. c.1692G>A has been observed in individual(s) affected with telomere biology disease (Maillet_2024). These report(s) do not provide unequivocal conclusions about association of the variant with Dyskeratosis congenita. To our knowledge, no experimental evidence demonstrating an impact on protein function has been reported. The following publication has been ascertained in the context of this evaluation (PMID: 39279213). ClinVar contains an entry for this variant (Variation ID: 653400). Based on the evidence outlined above, the variant was classified as uncertain significance.

Ambry Genetics
Classification: Uncertain significance for Dyskeratosis congenita. Last evaluated: 2025-02-04. Review status: criteria provided, single submitter. Criteria: Ambry Variant Classification Scheme 2023. Collection method: clinical testing. Allele origin: germline.
Comment: The c.1692G>A variant (also known as p.T564T), located in coding exon 3 of the TERT gene, results from a G to A substitution at nucleotide position 1692. This nucleotide substitution does not change the threonine at codon 564. This nucleotide position is poorly conserved in available vertebrate species. In silico splice site analysis predicts that this alteration will result in the creation or strengthening of a novel splice acceptor site. Based on the available evidence, the clinical significance of this variant remains unclear.

Labcorp Genetics (formerly Invitae), Labcorp
Classification: Likely benign for Dyskeratosis congenita, autosomal dominant 2; Idiopathic Pulmonary Fibrosis. Last evaluated: 2024-09-16. Review status: criteria provided, single submitter. Criteria: Invitae Variant Classification Sherloc (09022015). Collection method: clinical testing. Allele origin: germline.

Blueprint Genetics
Classification: Likely benign. Last evaluated: 2024-07-05. Review status: criteria provided, single submitter. Criteria: ACMG Guidelines, 2015. Collection method: clinical testing. Allele origin: germline.

PreventionGenetics, part of Exact Sciences
Classification: Uncertain significance for TERT-related condition. Last evaluated: 2023-04-30. Review status: criteria provided, single submitter. Criteria: ACMG Guidelines, 2015. Collection method: clinical testing. Allele origin: germline.
Comment: The TERT c.1692G>A variant is not predicted to result in an amino acid change (p.=). This variant is predicted to alter splicing based on available splicing prediction programs (Alamut Visual Plus v1.6.1), however, such computer prediction programs are imperfect. To our knowledge, this variant has not been reported in the literature. This variant is reported in 0.0062% of alleles in individuals of African descent in gnomAD. At this time, the clinical significance of this variant is uncertain due to the absence of conclusive functional and genetic evidence.

CeGaT Center for Human Genetics Tuebingen
Classification: Likely benign. Last evaluated: 2022-06-01. Review status: criteria provided, single submitter. Criteria: CeGaT Center For Human Genetics Tuebingen Variant Classification Criteria Version 2. Collection method: clinical testing. Allele origin: germline. Affected: yes. Observed: 1 variant allele.
Comment: TERT: BP7

Literature cited by the submitters: PubMed 39279213 (cited by Women's Health and Genetics/Laboratory Corporation of America, LabCorp).